The following is an entry in ClinVar:

ClinVar aggregate classification (germline): Uncertain significance. Review status: criteria provided, multiple submitters, no conflicts (2 of 4 stars). 2 submissions from 2 submitters: Uncertain significance (2). Last evaluated 2024-03-05.

Conditions:
Stiff skin syndrome (SSKS). Identifiers: Orphanet 2833, MedGen C1861456, MONDO:0008492, OMIM 184900.
Marfan syndrome (MFS). Also called: MARFAN SYNDROME, TYPE I; FBN1-Related Marfan Syndrome; Marfan syndrome type 1; Marfan's syndrome; Marfan syndrome, classic. Identifiers: Orphanet 284963, Orphanet 558, MedGen C0024796, MONDO:0007947, OMIM 154700.

Allele frequency attached by ClinVar (database versions not stated): ExAC 0.00001.
gnomAD v4.1: 2 of 1,614,178 alleles (0.00012%); highest among the groups gnomAD compares: Non-Finnish European, 0.000085%; no homozygotes.

Submissions (2):

All of Us Research Program, National Institutes of Health
Classification: Uncertain significance for Marfan syndrome. Last evaluated: 2024-03-05. Review status: criteria provided, single submitter. Criteria: ACMG Guidelines, 2015. Collection method: clinical testing. Allele origin: germline. Inheritance: Autosomal dominant inheritance. Observed: 1 variant allele, 1 heterozygote.
Comment: This study involves interpretation of variants in research participants for the purpose of population health screening. Participant phenotype was not available at the time of variant classification. Additional details can be found in publication PMID: 35346344, PMCID: PMC8962531

Baylor Genetics
Classification: Uncertain significance for Stiff skin syndrome. Last evaluated: 2021-05-28. Review status: criteria provided, single submitter. Criteria: ACMG Guidelines, 2015. Collection method: clinical testing. Allele origin: unknown.

NM_000138.5(FBN1):c.695G>A (p.Arg232His)

Gene: FBN1 (fibrillin 1; minus strand). Cytogenetic location: 15q21.1.
Variant type: single nucleotide variant.
Coding change: c.695G>A on transcript NM_000138.5 (MANE Select); coding-DNA position 695, G replaced by A.
Protein change: p.Arg232His; replaces arginine 232 with histidine.
Molecular consequence: missense variant.
Genome position (GRCh38, 1-based): chr15:48,537,652, C>T on the plus strand (G>A on the coding strand, the complement: FBN1 is on the minus strand). VCF-style: chr15-48537652-C-T. GRCh37 (hg19) VCF-style: chr15-48829849-C-T.
Other names: c.695G>A, p.Arg232His (NM_001406716.1, NM_001406717.1); short protein forms R232H.
Identifiers: ClinVar variation 2441994 (VCV002441994.2), dbSNP rs773685409, ClinGen allele CA057612.